The following is an entry in ClinVar:

NM_001957.4(EDNRA):c.1281C>T (p.Asn427=)

Gene: EDNRA (endothelin receptor type A; plus strand). Cytogenetic location: 4q31.23.
Variant type: single nucleotide variant.
Coding change: c.1281C>T on transcript NM_001957.4 (MANE Select); coding-DNA position 1281, C replaced by T.
Protein change: p.Asn427=; no amino-acid change (asparagine 427 retained).
Molecular consequence: synonymous variant. On other transcripts: non-coding transcript variant (3).
Genome position (GRCh38, 1-based): chr4:147,542,615, C>T. VCF-style: chr4-147542615-C-T. GRCh37 (hg19) VCF-style: chr4-148463767-C-T.
Other names: c.954C>T, p.Asn318= (NM_001166055.2).
Identifiers: ClinVar variation 3778526 (VCV003778526.7).
Genomic context (GRCh38, chr4:147,542,615, plus strand): 5'-GAAGAACCACGATCAAAACAACCACAACACAGACCGGAGCAGCCATAAGGACAGCATGAA[C>T]TGACCACCCTTAGAAGCACTCCTCGGTACTCCCATAATCCTCTCGGAGAAAAAAATCACA-3'
Protein context (NP_001948.1, residues 417-427): TDRSSHKDSM[Asn427=]

ClinVar aggregate classification (germline): Likely benign (1 of 4 stars; one submission).

Submission:

CeGaT Center for Human Genetics Tuebingen
Classification: Likely benign. Last evaluated: 2025-03-01. Review status: criteria provided, single submitter. Criteria: CeGaT Center For Human Genetics Tuebingen Variant Classification Criteria Version 2. Collection method: clinical testing. Allele origin: germline. Affected: yes. Observed: 1 variant allele.
Comment: EDNRA: PM2:Supporting, BP4, BP7